The following is an entry in ClinVar:

ClinVar aggregate classification (germline): Uncertain significance (1 of 4 stars; one submission).

Submission:

Labcorp Genetics (formerly Invitae), Labcorp
Classification: Uncertain significance. Last evaluated: 2023-08-04. Review status: criteria provided, single submitter. Criteria: Invitae Variant Classification Sherloc (09022015). Collection method: clinical testing. Allele origin: germline.
Comment: This sequence change replaces arginine, which is basic and polar, with serine, which is neutral and polar, at codon 187 of the AIMP1 protein (p.Arg187Ser). This variant is not present in population databases (gnomAD no frequency). This variant has not been reported in the literature in individuals affected with AIMP1-related conditions. ClinVar contains an entry for this variant (Variation ID: 2090989). An algorithm developed to predict the effect of missense changes on protein structure and function (PolyPhen-2) suggests that this variant is likely to be disruptive. In summary, the available evidence is currently insufficient to determine the role of this variant in disease. Therefore, it has been classified as a Variant of Uncertain Significance.

NM_001142416.2(AIMP1):c.561G>T (p.Arg187Ser)

Gene: AIMP1 (aminoacyl tRNA synthetase complex interacting multifunctional protein 1; plus strand). Cytogenetic location: 4q24.
Variant type: single nucleotide variant.
Coding change: c.561G>T on transcript NM_001142416.2 (MANE Select); coding-DNA position 561, G replaced by T.
Protein change: p.Arg187Ser; replaces arginine 187 with serine.
Molecular consequence: missense variant.
Genome position (GRCh38, 1-based): chr4:106,331,841, G>T. VCF-style: chr4-106331841-G-T. GRCh37 (hg19) VCF-style: chr4-107252998-G-T.
Other names: c.561G>T, p.Arg187Ser (NM_001142415.2, NM_004757.4); short protein forms R187S.
Identifiers: ClinVar variation 2090989 (VCV002090989.4), dbSNP rs1769692750, ClinGen allele CA357973727.